The following is an entry in ClinVar:

ClinVar aggregate classification (germline): Uncertain significance (1 of 4 stars; one submission).

Submission:

GeneDx
Classification: Uncertain significance. Last evaluated: 2026-07-15. Review status: criteria provided, single submitter. Criteria: GeneDx Variant Classification Process June 2021. Collection method: clinical testing. Allele origin: germline.
Comment: Not observed at significant frequency in large population cohorts (gnomAD); In silico analysis supports that this missense variant has a deleterious effect on protein structure/function; Has not been previously published as pathogenic or benign to our knowledge

NM_017617.5(NOTCH1):c.5497G>T (p.Asp1833Tyr)

Gene: NOTCH1 (notch receptor 1; minus strand). Cytogenetic location: 9q34.3.
Variant type: single nucleotide variant.
Coding change: c.5497G>T on transcript NM_017617.5 (MANE Select); coding-DNA position 5497, G replaced by T.
Protein change: p.Asp1833Tyr; replaces aspartic acid 1833 with tyrosine.
Molecular consequence: missense variant.
Genome position (GRCh38, 1-based): chr9:136,501,889, C>A on the plus strand (G>T on the coding strand, the complement: NOTCH1 is on the minus strand). VCF-style: chr9-136501889-C-A. GRCh37 (hg19) VCF-style: chr9-139396341-C-A.
Other names: short protein forms D1833Y.
Identifiers: ClinVar variation 2499692 (VCV002499692.2), dbSNP rs2133329220, ClinGen allele CA375639485.